The following is an entry in ClinVar:

NM_001195518.2(MICU1):c.322G>T (p.Asp108Tyr)

Gene: MICU1 (mitochondrial calcium uptake 1; minus strand). Cytogenetic location: 10q22.1.
Variant type: single nucleotide variant.
Coding change: c.322G>T on transcript NM_001195518.2 (MANE Select); coding-DNA position 322, G replaced by T.
Protein change: p.Asp108Tyr; replaces aspartic acid 108 with tyrosine.
Molecular consequence: missense variant.
Genome position (GRCh38, 1-based): chr10:72,562,903, C>A on the plus strand (G>T on the coding strand, the complement: MICU1 is on the minus strand). VCF-style: chr10-72562903-C-A. GRCh37 (hg19) VCF-style: chr10-74322661-C-A.
Other names: c.322G>T, p.Asp108Tyr (NM_001363513.2, NM_006077.4); short protein forms D108Y.
Identifiers: ClinVar variation 3378297 (VCV003378297.1).

ClinVar aggregate classification (germline): Uncertain significance (1 of 4 stars; one submission).

Submission:

GeneDx
Classification: Uncertain significance. Last evaluated: 2024-05-13. Review status: criteria provided, single submitter. Criteria: GeneDx Variant Classification Process June 2021. Collection method: clinical testing. Allele origin: germline. Affected: yes.
Comment: Not observed at significant frequency in large population cohorts (gnomAD); In silico analysis supports that this missense variant has a deleterious effect on protein structure/function; Has not been previously published as pathogenic or benign to our knowledge